The following is an entry in ClinVar:

ClinVar aggregate classification (germline): Uncertain significance. Review status: criteria provided, single submitter (1 of 4 stars). 2 submissions from 2 submitters: Uncertain significance (1). 1 of the submissions does not count toward it. Last evaluated 2021-12-07.

Conditions:
Sphingolipid activator protein 1 deficiency. Also called: Metachromatic leukodystrophy due to saposin B deficiency; METACHROMATIC LEUKODYSTROPHY DUE TO CEREBROSIDE SULFATASE ACTIVATOR DEFICIENCY; Saposin B Deficiency. Identifiers: Orphanet 512, MedGen C0268262, MONDO:0009590, OMIM 249900.
Metachromatic leukodystrophy (MLD). Also called: SULFATIDE LIPIDOSIS; ARSA DEFICIENCY; CEREBROSIDE SULFATASE DEFICIENCY; METACHROMATIC LEUKOENCEPHALOPATHY; Cerebral sclerosis diffuse metachromatic form; Arylsulfatase A Deficiency. Identifiers: Orphanet 512, MedGen C0023522, MONDO:0018868, OMIM 250100.

Allele frequency attached by ClinVar (database versions not stated): ExAC 0.00001; gnomAD 0.00001; gnomAD exomes 0.00001; TOPMed 0.00001.
gnomAD v4.1: 6 of 1,609,952 alleles (0.00037%); highest among the groups gnomAD compares: Admixed American, 0.01%; no homozygotes.

Submissions (2):

Labcorp Genetics (formerly Invitae), Labcorp
Classification: Uncertain significance for Sphingolipid activator protein 1 deficiency. Last evaluated: 2021-12-07. Review status: criteria provided, single submitter. Criteria: Invitae Variant Classification Sherloc (09022015). Collection method: clinical testing. Allele origin: germline.
Comment: This sequence change falls in intron 8 of the PSAP gene. It does not directly change the encoded amino acid sequence of the PSAP protein. This variant is present in population databases (rs746262168, gnomAD 0.009%). This variant has not been reported in the literature in individuals affected with PSAP-related conditions. Algorithms developed to predict the effect of sequence changes on RNA splicing suggest that this variant may disrupt the consensus splice site. In summary, the available evidence is currently insufficient to determine the role of this variant in disease. Therefore, it has been classified as a Variant of Uncertain Significance.

Natera, Inc.
Classification: Uncertain significance for Metachromatic leukodystrophy. Last evaluated: 2025-03-31. Review status: no assertion criteria provided. Collection method: clinical testing. Allele origin: germline. Not counted in ClinVar's aggregate classification.

NM_002778.4(PSAP):c.910-6C>G

Gene: PSAP (prosaposin; minus strand). Cytogenetic location: 10q22.1.
Variant type: single nucleotide variant.
Coding change: c.910-6C>G on transcript NM_002778.4 (MANE Select); 6 bases into the intron before coding-DNA position 910, C replaced by G.
Molecular consequence: intron variant.
Genome position (GRCh38, 1-based): chr10:71,820,341, G>C on the plus strand (C>G on the coding strand, the complement: PSAP is on the minus strand). VCF-style: chr10-71820341-G-C. GRCh37 (hg19) VCF-style: chr10-73580098-G-C.
Other names: c.916-6C>G (NM_001042466.3); c.919-6C>G (NM_001042465.3); c.910-6C>G (NM_002778.3).
Identifiers: ClinVar variation 1357036 (VCV001357036.4), dbSNP rs746262168, ClinGen allele CA5547565.